The following is an entry in ClinVar:

ClinVar aggregate classification (germline): Uncertain significance. Review status: criteria provided, multiple submitters, no conflicts (2 of 4 stars). 3 submissions from 3 submitters: Uncertain significance (2). 1 of the submissions does not count toward it. Last evaluated 2024-02-26.

Conditions:
Citrullinemia type I (CTNL1). Also called: ASS DEFICIENCY; argininosuccinate synthetase deficiency. Identifiers: Orphanet 247525, MedGen C4721769, MONDO:0008988, OMIM 215700.
Citrullinemia. Identifiers: Orphanet 187, MedGen C0175683, MONDO:0015991.
Inborn genetic diseases. Identifiers: MedGen C0950123, MeSH D030342.

Allele frequency attached by ClinVar (database versions not stated): gnomAD exomes 0.00001; ExAC 0.00002; 1000 Genomes Project 30x 0.00016; gnomAD 0.00019 and 0.00021; 1000 Genomes Project 0.00020; TOPMed 0.00035.
gnomAD v4.1: 42 of 1,614,172 alleles (0.0026%); highest among the groups gnomAD compares: Admixed American, 0.052%; no homozygotes.

Submissions (3):

Ambry Genetics
Classification: Uncertain significance for Inborn genetic diseases. Last evaluated: 2024-02-26. Review status: criteria provided, single submitter. Criteria: Ambry Variant Classification Scheme 2023. Collection method: clinical testing. Allele origin: germline.

Labcorp Genetics (formerly Invitae), Labcorp
Classification: Uncertain significance for Citrullinemia. Last evaluated: 2022-08-19. Review status: criteria provided, single submitter. Criteria: Invitae Variant Classification Sherloc (09022015). Collection method: clinical testing. Allele origin: germline.
Comment: This sequence change replaces asparagine, which is neutral and polar, with serine, which is neutral and polar, at codon 237 of the ASS1 protein (p.Asn237Ser). This variant is present in population databases (rs565520844, gnomAD 0.003%). This variant has not been reported in the literature in individuals affected with ASS1-related conditions. ClinVar contains an entry for this variant (Variation ID: 938981). Algorithms developed to predict the effect of missense changes on protein structure and function (SIFT, PolyPhen-2, Align-GVGD) all suggest that this variant is likely to be tolerated. In summary, the available evidence is currently insufficient to determine the role of this variant in disease. Therefore, it has been classified as a Variant of Uncertain Significance.

Natera, Inc.
Classification: Uncertain significance for Citrullinemia type I. Last evaluated: 2020-05-02. Review status: no assertion criteria provided. Collection method: clinical testing. Allele origin: germline. Not counted in ClinVar's aggregate classification.

NM_054012.4(ASS1):c.710A>G (p.Asn237Ser)

Gene: ASS1 (argininosuccinate synthase 1; plus strand). Cytogenetic location: 9q34.11.
Variant type: single nucleotide variant.
Coding change: c.710A>G on transcript NM_054012.4 (MANE Select); coding-DNA position 710, A replaced by G.
Protein change: p.Asn237Ser; replaces asparagine 237 with serine.
Molecular consequence: missense variant.
Genome position (GRCh38, 1-based): chr9:130,479,737, A>G. VCF-style: chr9-130479737-A-G. GRCh37 (hg19) VCF-style: chr9-133355124-A-G.
Other names: c.710A>G, p.Asn237Ser (NM_000050.4); short protein forms N237S.
Identifiers: ClinVar variation 938981 (VCV000938981.7), dbSNP rs565520844, ClinGen allele CA5283442.